The following is an entry in ClinVar:

NM_022168.4(IFIH1):c.2635C>T (p.Gln879Ter)

Gene: IFIH1 (interferon induced with helicase C domain 1; minus strand). Cytogenetic location: 2q24.2.
Variant type: single nucleotide variant.
Coding change: c.2635C>T on transcript NM_022168.4 (MANE Select); coding-DNA position 2635, C replaced by T.
Protein change: p.Gln879Ter; replaces glutamine 879 with a stop codon.
Molecular consequence: nonsense.
Genome position (GRCh38, 1-based): chr2:162,268,259, G>A on the plus strand (C>T on the coding strand, the complement: IFIH1 is on the minus strand). VCF-style: chr2-162268259-G-A. GRCh37 (hg19) VCF-style: chr2-163124769-G-A.
Other names: short protein forms Q879*.
Identifiers: ClinVar variation 1030802 (VCV001030802.5), dbSNP rs1559809132, ClinGen allele CA348992338.

ClinVar aggregate classification (germline): Uncertain significance. Review status: criteria provided, multiple submitters, no conflicts (2 of 4 stars). 2 submissions from 2 submitters: Uncertain significance (2). Last evaluated 2024-11-16.

Conditions:
Singleton-Merten syndrome 1 (SGMRT1). Also called: Widened medullary cavities of bone, aortic calcification, abnormal dentition, and muscular weakness; Syndrome of widened medullary cavities of the metacarpals and phalanges, aortic calcification and abnormal dentition. Identifiers: Orphanet 85191, MedGen C4225427, MONDO:0024535, OMIM 182250.
Aicardi-Goutieres syndrome 7 (AGS7). Identifiers: Orphanet 51, MedGen C3888244, MONDO:0014367, OMIM 615846.

Allele frequency attached by ClinVar (database versions not stated): gnomAD exomes below 0.00001.
gnomAD v4.1: 3 of 1,606,560 alleles (0.00019%); highest among the groups gnomAD compares: African/African-American, 0.004%; no homozygotes.

Submissions (2):

Labcorp Genetics (formerly Invitae), Labcorp
Classification: Uncertain significance for Aicardi-Goutieres syndrome 7; Singleton-Merten syndrome 1. Last evaluated: 2024-11-16. Review status: criteria provided, single submitter. Criteria: Invitae Variant Classification Sherloc (09022015). Collection method: clinical testing. Allele origin: germline.
Comment: This sequence change creates a premature translational stop signal (p.Gln879*) in the IFIH1 gene. It is expected to result in an absent or disrupted protein product. However, the current clinical and genetic evidence is not sufficient to establish whether loss-of-function variants in IFIH1 cause disease. This variant is not present in population databases (gnomAD no frequency). This premature translational stop signal has been observed in at least one individual who was not affected with IFIH1-related conditions (internal data). ClinVar contains an entry for this variant (Variation ID: 1030802). In summary, the available evidence is currently insufficient to determine the role of this variant in disease. Therefore, it has been classified as a Variant of Uncertain Significance.

Baylor Genetics
Classification: Uncertain significance for Aicardi-Goutieres syndrome 7. Last evaluated: 2020-08-01. Review status: criteria provided, single submitter. Criteria: ACMG Guidelines, 2015. Collection method: clinical testing. Allele origin: unknown. Affected: yes.
Comment: This variant was determined to be of uncertain significance according to ACMG Guidelines, 2015 [PMID:25741868].